The following is an entry in ClinVar:

ClinVar aggregate classification (germline): Uncertain significance. Review status: criteria provided, multiple submitters, no conflicts (2 of 4 stars). 2 submissions from 2 submitters: Uncertain significance (2). Last evaluated 2023-10-10.

Conditions:
Nemaline myopathy 8 (NEM8). Also called: Nemaline myopathy 8, autosomal recessive. Identifiers: Orphanet 171430, MedGen C3809209, MONDO:0014138, OMIM 615348.
Inborn genetic diseases. Identifiers: MedGen C0950123, MeSH D030342.

Allele frequency attached by ClinVar (database versions not stated): TOPMed 0.00001; gnomAD 0.00003.
gnomAD v4.1: 13 of 1,613,958 alleles (0.00081%); highest among the groups gnomAD compares: Admixed American, 0.022%; no homozygotes.

Submissions (2):

Labcorp Genetics (formerly Invitae), Labcorp
Classification: Uncertain significance for Nemaline myopathy 8. Last evaluated: 2023-10-10. Review status: criteria provided, single submitter. Criteria: Invitae Variant Classification Sherloc (09022015). Collection method: clinical testing. Allele origin: germline.
Comment: This sequence change replaces valine, which is neutral and non-polar, with leucine, which is neutral and non-polar, at codon 466 of the KLHL40 protein (p.Val466Leu). This variant is present in population databases (rs773720799, gnomAD 0.04%). This variant has not been reported in the literature in individuals affected with KLHL40-related conditions. ClinVar contains an entry for this variant (Variation ID: 646499). Advanced modeling of protein sequence and biophysical properties (such as structural, functional, and spatial information, amino acid conservation, physicochemical variation, residue mobility, and thermodynamic stability) performed at Invitae indicates that this missense variant is not expected to disrupt KLHL40 protein function. In summary, the available evidence is currently insufficient to determine the role of this variant in disease. Therefore, it has been classified as a Variant of Uncertain Significance.

Ambry Genetics
Classification: Uncertain significance for Inborn genetic diseases. Last evaluated: 2022-09-29. Review status: criteria provided, single submitter. Criteria: Ambry Variant Classification Scheme 2023. Collection method: clinical testing. Allele origin: germline.

NM_152393.4(KLHL40):c.1396G>T (p.Val466Leu)

Gene: KLHL40 (kelch like family member 40; plus strand). Cytogenetic location: 3p22.1.
Variant type: single nucleotide variant.
Coding change: c.1396G>T on transcript NM_152393.4 (MANE Select); coding-DNA position 1396, G replaced by T.
Protein change: p.Val466Leu; replaces valine 466 with leucine.
Molecular consequence: missense variant.
Genome position (GRCh38, 1-based): chr3:42,688,692, G>T. VCF-style: chr3-42688692-G-T. GRCh37 (hg19) VCF-style: chr3-42730184-G-T.
Other names: c.1396G>T (NM_152393.2); short protein forms V466L.
Identifiers: ClinVar variation 646499 (VCV000646499.6), dbSNP rs773720799, ClinGen allele CA2336943.